The following is an entry in ClinVar:

ClinVar aggregate classification (germline): Uncertain significance (1 of 4 stars; one submission).

Conditions:
Zellweger spectrum disorders (ZS). Also called: Zellweger syndrome; Zellweger Spectrum Disorder; Zellweger Spectrum; Zellweger Spectrum Disorder (ZSD). Identifiers: Orphanet 912, MedGen C0043459, MONDO:0019609.

Allele frequency attached by ClinVar (database versions not stated): gnomAD exomes 0.00001.
gnomAD v4.1: 5 of 1,613,706 alleles (0.00031%); highest among the groups gnomAD compares: Non-Finnish European, 0.00042%; no homozygotes.

Submission:

Labcorp Genetics (formerly Invitae), Labcorp
Classification: Uncertain significance for Zellweger spectrum disorders. Last evaluated: 2022-05-03. Review status: criteria provided, single submitter. Criteria: Invitae Variant Classification Sherloc (09022015). Collection method: clinical testing. Allele origin: germline.
Comment: In summary, the available evidence is currently insufficient to determine the role of this variant in disease. Therefore, it has been classified as a Variant of Uncertain Significance. Algorithms developed to predict the effect of missense changes on protein structure and function are either unavailable or do not agree on the potential impact of this missense change (SIFT: "Tolerated"; PolyPhen-2: "Probably Damaging"; Align-GVGD: "Class C0"). This variant has not been reported in the literature in individuals affected with PEX1-related conditions. This variant is not present in population databases (gnomAD no frequency). This sequence change replaces isoleucine, which is neutral and non-polar, with threonine, which is neutral and polar, at codon 134 of the PEX1 protein (p.Ile134Thr).

NM_000466.3(PEX1):c.401T>C (p.Ile134Thr)

Gene: PEX1 (peroxisomal biogenesis factor 1; minus strand). Cytogenetic location: 7q21.2.
Variant type: single nucleotide variant.
Coding change: c.401T>C on transcript NM_000466.3 (MANE Select); coding-DNA position 401, T replaced by C.
Protein change: p.Ile134Thr; replaces isoleucine 134 with threonine.
Molecular consequence: missense variant. On other transcripts: 5 prime UTR variant (1).
Genome position (GRCh38, 1-based): chr7:92,518,212, A>G on the plus strand (T>C on the coding strand, the complement: PEX1 is on the minus strand). VCF-style: chr7-92518212-A-G. GRCh37 (hg19) VCF-style: chr7-92147526-A-G.
Other names: c.401T>C, p.Ile134Thr (NM_001282677.2); c.-224T>C (NM_001282678.2); short protein forms I134T.
Identifiers: ClinVar variation 2133274 (VCV002133274.4), dbSNP rs2484705073, ClinGen allele CA368202416.